The following is an entry in ClinVar:

NM_020365.5(EIF2B3):c.1295T>C (p.Ile432Thr)

Gene: EIF2B3 (eukaryotic translation initiation factor 2B subunit gamma; minus strand). Cytogenetic location: 1p34.1.
Variant type: single nucleotide variant.
Coding change: c.1295T>C on transcript NM_020365.5 (MANE Select); coding-DNA position 1295, T replaced by C.
Protein change: p.Ile432Thr; replaces isoleucine 432 with threonine.
Molecular consequence: missense variant. On other transcripts: intron variant (1).
Genome position (GRCh38, 1-based): chr1:44,857,715, A>G on the plus strand (T>C on the coding strand, the complement: EIF2B3 is on the minus strand). VCF-style: chr1-44857715-A-G. GRCh37 (hg19) VCF-style: chr1-45323387-A-G.
Other names: c.1203-6712T>C (NM_001261418.2); short protein forms I432T.
Identifiers: ClinVar variation 4082420 (VCV004082420.2).

ClinVar aggregate classification (germline): Uncertain significance (1 of 4 stars; one submission).

gnomAD v4.1: 18 of 1,614,152 alleles (0.0011%); highest among the groups gnomAD compares: Non-Finnish European, 0.0015%; no homozygotes.

Submission:

Genetic Services Laboratory, University of Chicago
Classification: Uncertain significance. Last evaluated: 2024-09-17. Review status: criteria provided, single submitter. Criteria: ACMG Guidelines, 2015. Collection method: clinical testing. Allele origin: germline. Affected: no.
Comment: DNA sequence analysis of the EIF2B3 gene demonstrated a sequence change, c.1295T>C, in exon 11 that results in an amino acid change, p.Ile432Thr. This sequence change does not appear to have been previously described in individuals with EIF2B3-related disorders. This sequence change has been described in the gnomAD database with a frequency of 0.001% in the global population (dbSNP rs1341459099). The p.Ile432Thr change affects a poorly conserved amino acid residue located in a domain of the EIF2B3 protein that is not known to be functional. In-silico pathogenicity prediction tools (SIFT, PolyPhen2, Align GVGD, REVEL) provide contradictory results for the p.Ile432Thr substitution. Due to insufficient evidences and the lack of functional studies, the clinical significance of the p.Ile432Thr change remains unknown at this time.